The following is an entry in ClinVar:

ClinVar aggregate classification (germline): Conflicting classifications of pathogenicity. Review status: criteria provided, conflicting classifications (1 of 4 stars). 3 submissions from 3 submitters: Uncertain significance (2); Likely benign (1). Last evaluated 2025-03-14.

Conditions:
Inborn genetic diseases. Identifiers: MedGen C0950123, MeSH D030342.

Allele frequency attached by ClinVar (database versions not stated): gnomAD 0.00005; ExAC 0.00008; 1000 Genomes Project 30x 0.00016; 1000 Genomes Project 0.00020.

Submissions (3):

Ambry Genetics
Classification: Uncertain significance for Inborn genetic diseases. Last evaluated: 2025-03-14. Review status: criteria provided, single submitter. Criteria: Ambry Variant Classification Scheme 2023. Collection method: clinical testing. Allele origin: germline.

GeneDx
Classification: Uncertain significance. Last evaluated: 2024-03-28. Review status: criteria provided, single submitter. Criteria: GeneDx Variant Classification Process June 2021. Collection method: clinical testing. Allele origin: germline. Affected: yes.
Comment: Has not been previously published as pathogenic or benign to our knowledge; In silico analysis supports that this missense variant has a deleterious effect on protein structure/function

Blueprint Genetics
Classification: Likely benign. Last evaluated: 2022-12-20. Review status: criteria provided, single submitter. Criteria: ACMG Guidelines, 2015. Collection method: clinical testing. Allele origin: germline.

NM_000422.3(KRT17):c.101G>A (p.Gly34Asp)

Gene: KRT17 (keratin 17; minus strand). Cytogenetic location: 17q21.2.
Variant type: single nucleotide variant.
Coding change: c.101G>A on transcript NM_000422.3 (MANE Select); coding-DNA position 101, G replaced by A.
Protein change: p.Gly34Asp; replaces glycine 34 with aspartic acid.
Molecular consequence: missense variant.
Genome position (GRCh38, 1-based): chr17:41,624,409, C>T on the plus strand (G>A on the coding strand, the complement: KRT17 is on the minus strand). VCF-style: chr17-41624409-C-T. GRCh37 (hg19) VCF-style: chr17-39780661-C-T.
Other names: short protein forms G34D.
Identifiers: ClinVar variation 3116340 (VCV003116340.4), dbSNP rs368662815, ClinGen allele CA8563849.